The following is an entry in ClinVar:

ClinVar aggregate classification (germline): Uncertain significance (1 of 4 stars; one submission).

Conditions:
Hereditary cancer-predisposing syndrome. Also called: Neoplastic Syndromes, Hereditary; Tumor predisposition; Hereditary Cancer Syndrome; Hereditary neoplastic syndrome. Identifiers: Orphanet 140162, MedGen C0027672, MeSH D009386, MONDO:0015356.

Submission:

Ambry Genetics
Classification: Uncertain significance for Hereditary cancer-predisposing syndrome. Last evaluated: 2024-11-08. Review status: criteria provided, single submitter. Criteria: Ambry Variant Classification Scheme 2023. Collection method: clinical testing. Allele origin: germline.
Comment: The p.Q1059E variant (also known as c.3175C>G), located in coding exon 25 of the POLD1 gene, results from a C to G substitution at nucleotide position 3175. The glutamine at codon 1059 is replaced by glutamic acid, an amino acid with highly similar properties. This amino acid position is highly conserved in available vertebrate species. In addition, this alteration is predicted to be tolerated by in silico analysis. Based on the available evidence, the clinical significance of this variant remains unclear.

NM_002691.4(POLD1):c.3175C>G (p.Gln1059Glu)

Gene: POLD1 (DNA polymerase delta 1, catalytic subunit; plus strand). Cytogenetic location: 19q13.33.
Variant type: single nucleotide variant.
Coding change: c.3175C>G on transcript NM_002691.4 (MANE Select); coding-DNA position 3175, C replaced by G.
Protein change: p.Gln1059Glu; replaces glutamine 1059 with glutamic acid.
Molecular consequence: missense variant. On other transcripts: non-coding transcript variant (1).
Genome position (GRCh38, 1-based): chr19:50,417,226, C>G. VCF-style: chr19-50417226-C-G. GRCh37 (hg19) VCF-style: chr19-50920483-C-G.
Other names: c.3175C>G, p.Gln1059Glu (NM_001256849.1); c.3253C>G, p.Gln1085Glu (NM_001308632.1); short protein forms Q1059E, Q1085E.
Identifiers: ClinVar variation 3421964 (VCV003421964.1).